The following is an entry in ClinVar:

ClinVar aggregate classification (germline): Uncertain significance (1 of 4 stars; one submission).

gnomAD v4.1: 1 of 1,614,140 alleles (0.000062%); highest among the groups gnomAD compares: Non-Finnish European, 0.000085%; no homozygotes.

Submission:

Labcorp Genetics (formerly Invitae), Labcorp
Classification: Uncertain significance. Last evaluated: 2024-11-18. Review status: criteria provided, single submitter. Criteria: Invitae Variant Classification Sherloc (09022015). Collection method: clinical testing. Allele origin: germline.
Comment: This sequence change replaces asparagine, which is neutral and polar, with lysine, which is basic and polar, at codon 331 of the CDCA7 protein (p.Asn331Lys). This variant is not present in population databases (gnomAD no frequency). This variant has not been reported in the literature in individuals affected with CDCA7-related conditions. ClinVar contains an entry for this variant (Variation ID: 1519180). Invitae Evidence Modeling of protein sequence and biophysical properties (such as structural, functional, and spatial information, amino acid conservation, physicochemical variation, residue mobility, and thermodynamic stability) indicates that this missense variant is not expected to disrupt CDCA7 protein function with a negative predictive value of 80%. In summary, the available evidence is currently insufficient to determine the role of this variant in disease. Therefore, it has been classified as a Variant of Uncertain Significance.

NM_031942.5(CDCA7):c.993C>A (p.Asn331Lys)

Gene: CDCA7 (cell division cycle associated 7; plus strand). Cytogenetic location: 2q31.1.
Variant type: single nucleotide variant.
Coding change: c.993C>A on transcript NM_031942.5 (MANE Select); coding-DNA position 993, C replaced by A.
Protein change: p.Asn331Lys; replaces asparagine 331 with lysine.
Molecular consequence: missense variant.
Genome position (GRCh38, 1-based): chr2:173,365,550, C>A. VCF-style: chr2-173365550-C-A. GRCh37 (hg19) VCF-style: chr2-174230278-C-A.
Other names: c.756C>A, p.Asn252Lys (NM_145810.3); short protein forms N252K, N331K.
Identifiers: ClinVar variation 1519180 (VCV001519180.6), dbSNP rs762377778, ClinGen allele CA349329851.